The following is an entry in ClinVar:

ClinVar aggregate classification (germline): Conflicting classifications of pathogenicity. Review status: criteria provided, conflicting classifications (1 of 4 stars). 5 submissions from 5 submitters: Uncertain significance (4); Likely benign (1). Last evaluated 2025-04-12.

Conditions:
Inborn genetic diseases. Identifiers: MedGen C0950123, MeSH D030342.
Charcot-Marie-Tooth disease dominant intermediate E. Also called: CHARCOT-MARIE-TOOTH NEUROPATHY WITH FOCAL SEGMENTAL GLOMERULONEPHRITIS. Identifiers: Orphanet 93114, MedGen C4302667, MONDO:0013758, OMIM 614455.
Focal segmental glomerulosclerosis 5 (FSGS5). Identifiers: Orphanet 656, MedGen C2750475, MONDO:0013191, OMIM 613237.

Allele frequency attached by ClinVar (database versions not stated): gnomAD 0.00001; gnomAD exomes 0.00003; ExAC 0.00004.
gnomAD v4.1: 31 of 1,559,988 alleles (0.002%); highest among the groups gnomAD compares: Middle Eastern, 0.017%; no homozygotes.

Submissions (5):

Labcorp Genetics (formerly Invitae), Labcorp
Classification: Likely benign for Charcot-Marie-Tooth disease dominant intermediate E; Focal segmental glomerulosclerosis 5. Last evaluated: 2025-04-12. Review status: criteria provided, single submitter. Criteria: Invitae Variant Classification Sherloc (09022015). Collection method: clinical testing. Allele origin: germline.

Blueprint Genetics
Classification: Uncertain significance. Last evaluated: 2023-03-22. Review status: criteria provided, single submitter. Criteria: ACMG Guidelines, 2015. Collection method: clinical testing. Allele origin: germline.

Fulgent Genetics
Classification: Uncertain significance for Focal segmental glomerulosclerosis 5; Charcot-Marie-Tooth disease dominant intermediate E. Last evaluated: 2022-03-19. Review status: criteria provided, single submitter. Criteria: ACMG Guidelines, 2015. Collection method: clinical testing. Allele origin: unknown.

Ambry Genetics
Classification: Uncertain significance for Inborn genetic diseases. Last evaluated: 2020-02-03. Review status: criteria provided, single submitter. Criteria: Ambry Variant Classification Scheme 2023. Collection method: clinical testing. Allele origin: germline.
Comment: The p.V397M variant (also known as c.1189G>A), located in coding exon 7 of the INF2 gene, results from a G to A substitution at nucleotide position 1189. The valine at codon 397 is replaced by methionine, an amino acid with highly similar properties. This amino acid position is poorly conserved in available vertebrate species. In addition, this alteration is predicted to be tolerated by in silico analysis. Since supporting evidence is limited at this time, the clinical significance of this alteration remains unclear.

GeneDx
Classification: Uncertain significance. Last evaluated: 2016-12-13. Review status: criteria provided, single submitter. Criteria: GeneDx Variant Classification (06012015). Collection method: clinical testing. Allele origin: germline. Affected: yes.
Comment: A variant of uncertain significance has been identified in the INF2 gene. The V397M variant has not been published as a pathogenic variant, nor has it been reported as a benign variant to our knowledge. The V397M variant is not observed at a significant frequency in large population cohorts (Lek et al., 2016; 1000 Genomes Consortium et al., 2015; Exome Variant Server). The V397M variant is a conservative amino acid substitution, which is not likely to impact secondary protein structure as these residues share similar properties. This substitution occurs at a position that is not conserved, and in silico analysis predicts this variant likely does not alter the protein structure/function. Based on the currently available information, it is unclear whether this variant is a pathogenic variant or a rare benign variant.

NM_022489.4(INF2):c.1189G>A (p.Val397Met)

Gene: INF2 (inverted formin 2; plus strand). Cytogenetic location: 14q32.33.
Variant type: single nucleotide variant.
Coding change: c.1189G>A on transcript NM_022489.4 (MANE Select); coding-DNA position 1189, G replaced by A.
Protein change: p.Val397Met; replaces valine 397 with methionine.
Molecular consequence: missense variant.
Genome position (GRCh38, 1-based): chr14:104,707,456, G>A. VCF-style: chr14-104707456-G-A. GRCh37 (hg19) VCF-style: chr14-105173793-G-A.
Other names: c.1189G>A, p.Val397Met (NM_001031714.4); short protein forms V397M.
Identifiers: ClinVar variation 373658 (VCV000373658.12), dbSNP rs771775245, ClinGen allele CA7372524.